The following is an entry in ClinVar:

NM_000312.4(PROC):c.-51G>A

Gene: PROC (protein C, inactivator of coagulation factors Va and VIIIa; plus strand). Cytogenetic location: 2q14.3.
Variant type: single nucleotide variant.
Coding change: c.-51G>A on transcript NM_000312.4 (MANE Select); 51 bases upstream of the start codon, G replaced by A.
Molecular consequence: 5 prime UTR variant. On other transcripts: missense variant (6).
Genome position (GRCh38, 1-based): chr2:127,418,463, G>A. VCF-style: chr2-127418463-G-A. GRCh37 (hg19) VCF-style: chr2-128176039-G-A.
Other names: c.17G>A, p.Arg6Gln (NM_001375602.1, NM_001375603.1, NM_001375604.1 and 3 more transcripts); c.-51G>A (NM_001375605.1, NM_001375608.1, NM_001375610.1); c.-67G>A (NM_001375611.1); short protein forms R6Q.
Identifiers: ClinVar variation 3037389 (VCV003037389.2), dbSNP rs536613560, ClinGen allele CA1859164.

ClinVar aggregate classification (germline): Likely benign (0 of 4 stars; one submission).

Conditions:
PROC-related disorder. Also called: PROC-related condition.

Allele frequency attached by ClinVar (database versions not stated): TOPMed 0.00007; gnomAD 0.00011; gnomAD exomes 0.00022; 1000 Genomes Project 30x 0.00078; 1000 Genomes Project 0.00120; ExAC 0.00211.
gnomAD v4.1: 271 of 1,289,776 alleles (0.021%); highest among the groups gnomAD compares: South Asian, 0.27%; 3 homozygotes.

Submission:

PreventionGenetics, part of Exact Sciences
Classification: Likely benign for PROC-related condition. Last evaluated: 2019-05-15. Review status: no assertion criteria provided. Collection method: clinical testing. Allele origin: germline.
Comment: This variant is classified as likely benign based on ACMG/AMP sequence variant interpretation guidelines (Richards et al. 2015 PMID: 25741868, with internal and published modifications).